The following is an entry in ClinVar:

NM_001429.4(EP300):c.3135G>A (p.Lys1045=)

Genes: EP300 (EP300 lysine acetyltransferase; plus strand), LOC126863158 (BRD4-independent group 4 enhancer GRCh37_chr22:41547383-41548582; plus strand). Cytogenetic location: 22q13.2.
Variant type: single nucleotide variant.
Coding change: c.3135G>A on transcript NM_001429.4 (MANE Select); coding-DNA position 3135, G replaced by A.
Protein change: p.Lys1045=; no amino-acid change (lysine 1045 retained).
Molecular consequence: synonymous variant.
Genome position (GRCh38, 1-based): chr22:41,152,343, G>A. VCF-style: chr22-41152343-G-A. GRCh37 (hg19) VCF-style: chr22-41548347-G-A.
Other names: c.3057G>A, p.Lys1019= (NM_001362843.2).
Identifiers: ClinVar variation 3032207 (VCV003032207.4), dbSNP rs1052972454, ClinGen allele CA324538726.
Genomic context (GRCh38, chr22:41,152,343, plus strand): 5'-GGAGGAAGACCAGCCAAGTACTTCAGCTACCCAGTCATCTCCGGCTCCAGGACAGTCAAA[G>A]AAAAAGAGTGAGTCTCTGAAGCCATTCGTTCTGGAGGTAGCTGAAGAAACCAAAGACCCA-3'
Protein context (NP_001420.2, residues 1035-1055): TQSSPAPGQS[Lys1045=]KKIFKPEELR

ClinVar aggregate classification (germline): Benign. Review status: criteria provided, single submitter (1 of 4 stars). 2 submissions from 2 submitters: Benign (1). 1 of the submissions does not count toward it. Last evaluated 2024-10-22.

Conditions:
Rubinstein-Taybi syndrome due to EP300 haploinsufficiency. Also called: EP300-Related Rubinstein-Taybi Syndrome; RUBINSTEIN-TAYBI SYNDROME 2. Identifiers: Orphanet 353284, Orphanet 783, MedGen C3150941, MONDO:0013364, OMIM 613684.
EP300-related disorder. Also called: EP300-related condition; EP300-related disorders.

Allele frequency attached by ClinVar (database versions not stated): gnomAD exomes 0.00005; gnomAD 0.00002; TOPMed 0.00002.
gnomAD v4.1: 71 of 1,613,088 alleles (0.0044%); highest among the groups gnomAD compares: Non-Finnish European, 0.0058%; no homozygotes.

Submissions (2):

Labcorp Genetics (formerly Invitae), Labcorp
Classification: Benign for Rubinstein-Taybi syndrome due to EP300 haploinsufficiency. Last evaluated: 2024-10-22. Review status: criteria provided, single submitter. Criteria: Invitae Variant Classification Sherloc (09022015). Collection method: clinical testing. Allele origin: germline.

PreventionGenetics, part of Exact Sciences
Classification: Likely benign for EP300-related condition. Last evaluated: 2023-05-16. Review status: no assertion criteria provided. Collection method: clinical testing. Allele origin: germline. Not counted in ClinVar's aggregate classification.
Comment: This variant is classified as likely benign based on ACMG/AMP sequence variant interpretation guidelines (Richards et al. 2015 PMID: 25741868, with internal and published modifications).